The following is an entry in ClinVar:

ClinVar aggregate classification (germline): Conflicting classifications of pathogenicity. Review status: criteria provided, conflicting classifications (1 of 4 stars). 18 submissions from 18 submitters: Uncertain significance (1); Benign (6); Likely benign (7). 4 of the submissions do not count toward it. Last evaluated 2026-09-01.

Conditions:
History of neurodevelopmental disorder. Identifiers: MedGen C2711754.
Intellectual disability, autosomal dominant 9 (NESCAVS). Also called: NESCAV SYNDROME; KIF1A-Related Neurodevelopmental Disorder. Identifiers: Orphanet 662367, MedGen C5393830, MONDO:0013656, OMIM 614255.
Neuropathy, hereditary sensory, type 2C. Also called: KIF1A-Related HSAN2 (HSAN2C); Hereditary sensory and autonomic neuropathy type IIC. Identifiers: Orphanet 970, MedGen C3280168, MONDO:0013634, OMIM 614213.
Hereditary spastic paraplegia 30. Identifiers: Orphanet 101010, MedGen C5235139, MONDO:0012476.
Hereditary spastic paraplegia. Also called: Familial spastic paraparesis. Identifiers: Orphanet 685, MedGen C0037773, MONDO:0019064. Disease mechanism: loss of function.

Allele frequency attached by ClinVar (database versions not stated): 1000 Genomes Project 0.00220; ESP Exome Variant Server 0.00279; 1000 Genomes Project 30x 0.00312; TOPMed 0.00335; gnomAD exomes 0.00368 and 0.00462; gnomAD 0.00369 and 0.00371; ExAC 0.00412.
gnomAD v4.1: 7,277 of 1,612,358 alleles (0.45%); highest among the groups gnomAD compares: Middle Eastern, 0.79%; 30 homozygotes.

Submissions (18):

CeGaT Center for Human Genetics Tuebingen
Classification: Likely benign. Last evaluated: 2026-09-01. Review status: criteria provided, single submitter. Criteria: CeGaT Center For Human Genetics Tuebingen Variant Classification Criteria Version 2. Collection method: clinical testing. Allele origin: germline. Affected: yes. Observed: 68 variant alleles.
Comment: KIF1A: BP4, BS2

Women's Health and Genetics/Laboratory Corporation of America, LabCorp
Classification: Likely benign. Last evaluated: 2026-03-16. Review status: criteria provided, single submitter. Criteria: LabCorp Variant Classification Summary - May 2015. Collection method: clinical testing. Allele origin: germline.
Comment: Variant summary: KIF1A c.2956C>T (p.Pro986Ser) results in a non-conservative amino acid change in the encoded protein sequence. Algorithms developed to predict the effect of missense changes on protein structure and function are either unavailable or do not agree on the potential impact of this missense change. The variant allele was found at a frequency of 0.0037 in 244548 control chromosomes, predominantly at a frequency of 0.0056 within the Non-Finnish European subpopulation in the gnomAD database, including 3 homozygotes. The observed variant frequency within Non-Finnish European control individuals in the gnomAD database exceeds the estimated maximal expected allele frequency for disease-causing variants in KIF1A. To our knowledge, no occurrence of c.2956C>T in individuals affected with KIF1A-related conditions and no experimental evidence demonstrating its impact on protein function have been reported. ClinVar contains an entry for this variant (Variation ID: 196129). Based on the evidence outlined above, the variant was classified as likely benign.

Labcorp Genetics (formerly Invitae), Labcorp
Classification: Benign for Hereditary spastic paraplegia 30; Neuropathy, hereditary sensory, type 2C; Intellectual disability, autosomal dominant 9. Last evaluated: 2026-02-03. Review status: criteria provided, single submitter. Criteria: Invitae Variant Classification Sherloc (09022015). Collection method: clinical testing. Allele origin: germline.

Blueprint Genetics
Classification: Likely benign. Last evaluated: 2024-11-26. Review status: criteria provided, single submitter. Criteria: ACMG Guidelines, 2015. Collection method: clinical testing. Allele origin: germline.

Athena Diagnostics
Classification: Benign. Last evaluated: 2024-03-07. Review status: criteria provided, single submitter. Criteria: Athena Diagnostics Criteria. Collection method: clinical testing. Allele origin: unknown.

ARUP Laboratories, Molecular Genetics and Genomics, ARUP Laboratories
Classification: Benign. Last evaluated: 2023-11-29. Review status: criteria provided, single submitter. Criteria: ARUP Molecular Germline Variant Investigation Process 2024. Collection method: clinical testing. Allele origin: germline.

Mayo Clinic Laboratories, Mayo Clinic
Classification: Benign. Last evaluated: 2020-04-14. Review status: criteria provided, single submitter. Criteria: ACMG Guidelines, 2015. Collection method: clinical testing. Allele origin: germline. Observed: 26 variant alleles.

GeneDx
Classification: Benign. Last evaluated: 2019-07-23. Review status: criteria provided, single submitter. Criteria: GeneDx Variant Classification Process June 2021. Collection method: clinical testing. Allele origin: germline. Affected: yes.
Comment: This variant is associated with the following publications: (PMID: 21376300)

Mendelics
Classification: Likely benign for Spastic paraplegia 30A, autosomal dominant. Last evaluated: 2019-05-28. Review status: criteria provided, single submitter. Criteria: Mendelics Assertion Criteria 2017. Collection method: clinical testing. Allele origin: unknown.

Ambry Genetics
Classification: Likely benign for History of neurodevelopmental disorder. Last evaluated: 2019-03-18. Review status: criteria provided, single submitter. Criteria: Ambry Autosomal Dominant and X-Linked criteria (3/2017). Collection method: clinical testing. Allele origin: germline. Observed: 1 variant allele.
Comment: In silico models in agreement (benign);Sub-population frequency in support of benign classification (not ava blue, manual h-w);Subpopulation frequency in support of benign classification

Genome Diagnostics Laboratory, The Hospital for Sick Children
Classification: Likely benign for Hereditary spastic paraplegia. Last evaluated: 2019-02-01. Review status: criteria provided, single submitter. Criteria: ACMG Guidelines, 2015. Collection method: clinical testing. Allele origin: germline. Affected: yes.

Illumina Laboratory Services, Illumina
Classification: Uncertain significance for Spastic paraplegia 30A, autosomal dominant. Last evaluated: 2017-04-27. Review status: criteria provided, single submitter. Criteria: ICSL Variant Classification Criteria 13 December 2019. Collection method: clinical testing. Allele origin: germline.

Eurofins Ntd Llc (ga)
Classification: Benign. Last evaluated: 2015-09-23. Review status: criteria provided, single submitter. Criteria: EGL Classification Definitions 2015. Collection method: clinical testing. Allele origin: germline. Observed: 1 variant allele, 1 heterozygote.

Genetic Services Laboratory, University of Chicago
Classification: Likely benign. Last evaluated: 2015-06-24. Review status: criteria provided, single submitter. Criteria: ACMG Guidelines, 2015. Collection method: clinical testing. Allele origin: germline.

Clinical Genetics DNA and cytogenetics Diagnostics Lab, Erasmus MC, Erasmus Medical Center
Classification: Likely benign. Review status: no assertion criteria provided. Collection method: clinical testing. Allele origin: germline. Affected: yes. Study: VKGL Data-share Consensus. Not counted in ClinVar's aggregate classification.

Clinical Genetics, Academic Medical Center
Classification: Likely benign. Review status: no assertion criteria provided. Collection method: clinical testing. Allele origin: germline. Affected: yes. Study: VKGL Data-share Consensus. Not counted in ClinVar's aggregate classification.

Genome Diagnostics Laboratory, University Medical Center Utrecht
Classification: Likely benign. Review status: no assertion criteria provided. Collection method: clinical testing. Allele origin: germline. Affected: yes. Study: VKGL Data-share Consensus. Not counted in ClinVar's aggregate classification.

Laboratory of Diagnostic Genome Analysis, Leiden University Medical Center (LUMC)
Classification: Likely benign. Review status: no assertion criteria provided. Collection method: clinical testing. Allele origin: germline. Affected: yes. Study: VKGL Data-share Consensus. Not counted in ClinVar's aggregate classification.

Literature cited by the submitters: PubMed 21376300 (cited by Athena Diagnostics).

NM_001244008.2(KIF1A):c.3259C>T (p.Pro1087Ser)

Gene: KIF1A (kinesin family member 1A; minus strand). Cytogenetic location: 2q37.3.
Variant type: single nucleotide variant.
Coding change: c.3259C>T on transcript NM_001244008.2 (MANE Select); coding-DNA position 3259, C replaced by T.
Protein change: p.Pro1087Ser; replaces proline 1087 with serine.
Molecular consequence: missense variant.
Genome position (GRCh38, 1-based): chr2:240,745,853, G>A on the plus strand (C>T on the coding strand, the complement: KIF1A is on the minus strand). VCF-style: chr2-240745853-G-A. GRCh37 (hg19) VCF-style: chr2-241685270-G-A.
Other names: p.Pro986Ser; c.2983C>T, p.Pro995Ser (NM_001320705.2, NM_001330289.2, NM_001379638.1); c.3058C>T, p.Pro1020Ser (NM_001330290.2, NM_001379634.1, NM_001379635.1 and 1 more transcripts); c.3334C>T, p.Pro1112Ser (NM_001379631.1); c.3208C>T, p.Pro1070Ser (NM_001379632.1); c.3232C>T, p.Pro1078Ser (NM_001379633.1, NM_001379642.1, NM_001379645.1); c.2956C>T, p.Pro986Ser (NM_001379636.1, NM_001379639.1, NM_001379641.1 and 5 more transcripts); c.3031C>T, p.Pro1011Ser (NM_001379637.1, NM_001379648.1); and 2 more; short protein forms P1087S, P986S, P995S, P1020S, P1011S, P1070S, P1078S, P1112S.
Identifiers: ClinVar variation 196129 (VCV000196129.115), dbSNP rs143037290, ClinGen allele CA202153.